The following is an entry in ClinVar:

NM_001164665.2(KIAA1549):c.4560C>T (p.Thr1520=)

Gene: KIAA1549 (KIAA1549; minus strand). Cytogenetic location: 7q34.
Variant type: single nucleotide variant.
Coding change: c.4560C>T on transcript NM_001164665.2 (MANE Select); coding-DNA position 4560, C replaced by T.
Protein change: p.Thr1520=; no amino-acid change (threonine 1520 retained).
Molecular consequence: synonymous variant.
Genome position (GRCh38, 1-based): chr7:138,869,753, G>A on the plus strand (C>T on the coding strand, the complement: KIAA1549 is on the minus strand). VCF-style: chr7-138869753-G-A. GRCh37 (hg19) VCF-style: chr7-138554499-G-A.
Other names: c.4560C>T, p.Thr1520= (NM_020910.3).
Identifiers: ClinVar variation 3040906 (VCV003040906.2), dbSNP rs769026956, ClinGen allele CA4505837.

ClinVar aggregate classification (germline): Likely benign (0 of 4 stars; one submission).

Conditions:
KIAA1549-related disorder. Also called: KIAA1549-related condition.

Allele frequency attached by ClinVar (database versions not stated): ExAC 0.00001; gnomAD exomes 0.00002; gnomAD 0.00003; TOPMed 0.00003.
gnomAD v4.1: 28 of 1,608,872 alleles (0.0017%); highest among the groups gnomAD compares: Middle Eastern, 0.017%; no homozygotes.

Submission:

PreventionGenetics, part of Exact Sciences
Classification: Likely benign for KIAA1549-related condition. Last evaluated: 2019-09-09. Review status: no assertion criteria provided. Collection method: clinical testing. Allele origin: germline.
Comment: This variant is classified as likely benign based on ACMG/AMP sequence variant interpretation guidelines (Richards et al. 2015 PMID: 25741868, with internal and published modifications).